The following is an entry in ClinVar:

NM_017671.5(FERMT1):c.1090-2A>G

Gene: FERMT1 (FERM domain containing kindlin 1; minus strand). Cytogenetic location: 20p12.3.
Variant type: single nucleotide variant.
Coding change: c.1090-2A>G on transcript NM_017671.5 (MANE Select); the canonical splice acceptor site of the intron before coding-DNA position 1090, A replaced by G.
Molecular consequence: splice acceptor variant.
Genome position (GRCh38, 1-based): chr20:6,094,990, T>C on the plus strand (A>G on the coding strand, the complement: FERMT1 is on the minus strand). VCF-style: chr20-6094990-T-C. GRCh37 (hg19) VCF-style: chr20-6075637-T-C.
Identifiers: ClinVar variation 1901126 (VCV001901126.5), dbSNP rs2514701114, ClinGen allele CA408181825.

ClinVar aggregate classification (germline): Likely pathogenic (1 of 4 stars; one submission).

Submission:

Labcorp Genetics (formerly Invitae), Labcorp
Classification: Likely pathogenic. Last evaluated: 2022-08-28. Review status: criteria provided, single submitter. Criteria: Invitae Variant Classification Sherloc (09022015). Collection method: clinical testing. Allele origin: germline.
Comment: In summary, the currently available evidence indicates that the variant is pathogenic, but additional data are needed to prove that conclusively. Therefore, this variant has been classified as Likely Pathogenic. Algorithms developed to predict the effect of sequence changes on RNA splicing suggest that this variant may disrupt the consensus splice site. This variant has not been reported in the literature in individuals affected with FERMT1-related conditions. This variant is not present in population databases (gnomAD no frequency). This sequence change affects an acceptor splice site in intron 8 of the FERMT1 gene. It is expected to disrupt RNA splicing. Variants that disrupt the donor or acceptor splice site typically lead to a loss of protein function (PMID: 16199547), and loss-of-function variants in FERMT1 are known to be pathogenic (PMID: 14962093, 21936020).

Literature cited by the submitters: PubMed 16199547; PubMed 14962093; PubMed 21936020.